The following is an entry in ClinVar:

ClinVar aggregate classification (germline): Pathogenic/Likely pathogenic. Review status: criteria provided, multiple submitters, no conflicts (2 of 4 stars). 22 submissions from 22 submitters: Pathogenic (14); Likely pathogenic (3). 5 of the submissions do not count toward it. Last evaluated 2026-03-10.

Conditions:
MUTYH-related disorder. Also called: MUTYH-related condition; MUTYH-related disorders.
Gastric cancer. Also called: Malignant tumor of stomach; Stomach cancer. Identifiers: MedGen C0024623, MeSH D013274, MONDO:0001056, OMIM 613659, HP:0012126.
Familial adenomatous polyposis 2. Also called: MUTYH-associated polyposis; MUTYH Polyposis; Adenomas, multiple colorectal; FAP type 2; ADENOMAS, MULTIPLE COLORECTAL, AUTOSOMAL RECESSIVE; COLORECTAL ADENOMATOUS POLYPOSIS, AUTOSOMAL RECESSIVE. Identifiers: Orphanet 220460, Orphanet 247798, MedGen C3272841, MONDO:0012041, OMIM 608456.
Hereditary cancer-predisposing syndrome. Also called: Hereditary Cancer Syndrome; Tumor predisposition; Neoplastic Syndromes, Hereditary; Hereditary neoplastic syndrome. Identifiers: Orphanet 140162, MedGen C0027672, MeSH D009386, MONDO:0015356.

Allele frequency attached by ClinVar (database versions not stated): gnomAD 0.00002 and 0.00001; TOPMed 0.00002; gnomAD exomes 0.00002 and 0.00007; ExAC 0.00009.

Submissions 1 to 8 of 22:

Dasa
Classification: Pathogenic. Last evaluated: 2026-03-10. Review status: criteria provided, single submitter. Criteria: DASA Assertion Criteria. Collection method: clinical testing. Allele origin: germline.
Comment: NM_001048174.2(MUTYH):c.637C>T (p.Arg213Trp) is a missense variant that results in the substitution of arginine with tryptophan. Functional evidence supports a deleterious effect on the gene or gene product (PMID: 15673720; PMID: 23561487; PMID: 14991577; PMID: 15366000). This variant has been recurrently observed in individuals with related phenotype (PMID: 15673720; PMID: 23561487; PMID: 14991577; PMID: 15366000). Multiple computational predictions support a deleterious effect on the gene or gene product. The variant is present at low frequency in population datasets. Based on the available data, this variant is classified as pathogenic.

Labcorp Genetics (formerly Invitae), Labcorp
Classification: Pathogenic for Familial adenomatous polyposis 2. Last evaluated: 2025-11-13. Review status: criteria provided, single submitter. Criteria: Invitae Variant Classification Sherloc (09022015). Collection method: clinical testing. Allele origin: germline.
Comment: This sequence change replaces arginine, which is basic and polar, with tryptophan, which is neutral and slightly polar, at codon 241 of the MUTYH protein (p.Arg241Trp). This variant is present in population databases (rs34126013, gnomAD 0.03%). This missense change has been observed in individuals with colorectal cancer and/or polyposis (PMID: 14991577, 23561487, 24470512, 27194394). This variant is also known as c.679C>T (p.Arg227Trp). ClinVar contains an entry for this variant (Variation ID: 185274). An algorithm developed to predict the effect of missense changes on protein structure and function (PolyPhen-2) suggests that this variant is likely to be disruptive. Experimental studies have shown that this missense change affects MUTYH function (PMID: 15673720, 25820570). This variant disrupts the p.Arg241 amino acid residue in MUTYH. Other variant(s) that disrupt this residue have been observed in individuals with MUTYH-related conditions (PMID: 19732775; internal data), which suggests that this may be a clinically significant amino acid residue. For these reasons, this variant has been classified as Pathogenic.

PreventionGenetics, part of Exact Sciences
Classification: Pathogenic for MUTYH-related condition. Last evaluated: 2025-08-06. Review status: criteria provided, single submitter. Criteria: ACMG Guidelines, 2015. Collection method: clinical testing. Allele origin: germline.
Comment: The MUTYH c.721C>T variant is predicted to result in the amino acid substitution p.Arg241Trp. This variant, also referred to as p.Arg227Trp in the literature, has been reported in the homozygous and compound heterozygous state in individuals with a history of colorectal cancer and polyposis (Torrezan et al. 2013. PubMed ID: 23561487; Fleischmann et al. 2004. PubMed ID: 14991577; Win et al. 2016. PubMed ID: 27194394; Guarinos et al. 2014. PubMed ID: 24470512). Functional studies indicate that this variant disrupts MUTYH protein function (Bai et al. 2005. PubMed ID: 15673720; Komine et al. 2015. PubMed ID: 25820570). This variant is reported in 0.026% of alleles in individuals of South Asian descent in gnomAD, and has been interpreted as likely pathogenic/pathogenic in the ClinVar database (Variation ID: 185274). Other variants at this codon (p.Arg213Gln) have also been classified as pathogenic in ClinVar suggesting this is a clinically relevant amino acid. This variant is interpreted as pathogenic.

Revvity Omics, Revvity
Classification: Pathogenic for Familial adenomatous polyposis 2. Last evaluated: 2025-05-28. Review status: criteria provided, single submitter. Criteria: ACMG Guidelines, 2015. Collection method: clinical testing. Allele origin: germline.

Ambry Genetics
Classification: Pathogenic for Hereditary cancer-predisposing syndrome. Last evaluated: 2025-01-06. Review status: criteria provided, single submitter. Criteria: Ambry Variant Classification Scheme 2023. Collection method: clinical testing. Allele origin: germline.
Comment: The p.R241W pathogenic mutation (also known as c.721C>T), located in coding exon 9 of the MUTYH gene, results from a C to T substitution at nucleotide position 721. The arginine at codon 241 is replaced by tryptophan, an amino acid with dissimilar properties. This alteration has been reported in conjunction with the common MUTYH founder mutations p.G396D (p.G382D) and p.Y179C (p.Y165C), other pathogenic/likely pathogenic MUTYH variants, and as homozygous in multiple patients with classic polyposis, attenuated polyposis, and/or colorectal cancer (Isidro G et al. Hum Mutat. 2004 Oct;24(4):353-4; Bai H et al. Nucleic Acids Res. 2005 Jan 26;33(2):597-604; Torrezan GT et al. Orphanet J Rare Dis. 2013 ;8:54; Guarinos C et al. Clin Cancer Res. 2014 Mar 1;20(5):1158-68; Win AK et al. Int J Cancer. 2016 Oct 1;139(7):1557-63; Khan N et al. Sci Rep. 2017 May 22;7(1):2214; Ambry internal data). Furthermore, the aforementioned co-occurrences are likely to be in trans due to multiple observances with different pathogenic or likely pathogenic MUTYH variants. In functional assays measuring glycosylase activity and DNA-binding activity, this variant demonstrated impaired protein function similar to the p.Y179C (p.Y165C) MUTYH founder mutation (Bai H et al. Nucleic Acids Res. 2005 Jan 26;33(2):597-604; Komine K et al. Hum Mutat. 2015 Jul;36(7):704-11). This alteration has also been identified in individuals diagnosed with male breast cancer, breast cancer and prostate cancer (Rizzolo P et al. Front Oncol, 2018 Dec;8:583; Lang GT et al. Ann Transl Med, 2020 Nov;8:1417; Nguyen-Dumont T et al. Int J Cancer, 2020 10;147:2142-2149). Of note, this alteration is also designated as p.R227W in published literature. Based on the supporting evidence, this alteration is interpreted as a disease-causing mutation.

Baylor Genetics
Classification: Pathogenic for Familial adenomatous polyposis 2. Last evaluated: 2024-03-13. Review status: criteria provided, single submitter. Criteria: ACMG Guidelines, 2015. Collection method: clinical testing. Allele origin: unknown.

Fulgent Genetics
Classification: Pathogenic for Familial adenomatous polyposis 2; Gastric cancer. Last evaluated: 2024-01-22. Review status: criteria provided, single submitter. Criteria: ACMG Guidelines, 2015. Collection method: clinical testing. Allele origin: germline.

All of Us Research Program, National Institutes of Health
Classification: Pathogenic for Familial adenomatous polyposis 2. Last evaluated: 2023-12-13. Review status: criteria provided, single submitter. Criteria: ACMG Guidelines, 2015. Collection method: clinical testing. Allele origin: germline. Inheritance: Autosomal recessive inheritance. Observed: 5 variant alleles, 5 heterozygotes.
Comment: This missense variant replaces arginine with tryptophan at codon 241 of the MUTYH protein. This variant is also known as c.679C>T (p.Arg227Trp) based on an alternative transcript (NM_001048171). Computational prediction tool suggests that this variant may have deleterious impact on protein structure and function (internally defined REVEL score threshold >=0.7, PMID: 27666373). Splice site prediction tools suggest that this variant may not impact RNA splicing. Functional studies have shown that this variant disrupts MUTYH protein function (PMID: 15673720, 25820570). This variant has been reported as compound heterozygous with another pathogenic variant in multiple individuals affected with polyposis and/or colorectal cancer (PMID: 14991577, 15366000, 24470512, 27194394, 28533537, Color internal data), and as homozygous in two siblings affected with attenuated polyposis (parents were consanguineous) (PMID: 23561487). This variant has been identified in 18/281720 chromosomes in the general population by the Genome Aggregation Database (gnomAD). Based on the available evidence, this variant is classified as Likely Pathogenic.

This study involves interpretation of variants in research participants for the purpose of population health screening. Participant phenotype was not available at the time of variant classification. Additional details can be found in publication PMID: 35346344, PMCID: PMC8962531

NM_001048174.2(MUTYH):c.637C>T (p.Arg213Trp)

Gene: MUTYH (mutY DNA glycosylase; minus strand). Cytogenetic location: 1p34.1.
Variant type: single nucleotide variant.
Coding change: c.637C>T on transcript NM_001048174.2 (MANE Select); coding-DNA position 637, C replaced by T.
Protein change: p.Arg213Trp; replaces arginine 213 with tryptophan.
Molecular consequence: missense variant. On other transcripts: non-coding transcript variant (2).
Genome position (GRCh38, 1-based): chr1:45,332,458, G>A on the plus strand (C>T on the coding strand, the complement: MUTYH is on the minus strand). VCF-style: chr1-45332458-G-A. GRCh37 (hg19) VCF-style: chr1-45798130-G-A.
Other names: c.637C>T, p.Arg213Trp (NM_001048171.2, NM_001048173.2, NM_001293195.2); c.640C>T, p.Arg214Trp (NM_001048172.2); c.721C>T, p.Arg241Trp (NM_001128425.2); c.682C>T, p.Arg228Trp (NM_001293190.2); c.670C>T, p.Arg224Trp (NM_001293191.2); c.361C>T, p.Arg121Trp (NM_001293192.2, NM_001293196.2); c.292C>T, p.Arg98Trp (NM_001350650.2, NM_001350651.2); c.712C>T, p.Arg238Trp (NM_012222.3); short protein forms R241W, R227W, R214W, R224W, R121W, R213W, R228W, R238W.
Identifiers: ClinVar variation 185274 (VCV000185274.84), dbSNP rs34126013, ClinGen allele CA014196.